The following is an entry in ClinVar:

NM_001161352.2(KCNMA1):c.2146C>T (p.Arg716Cys)

Gene: KCNMA1 (potassium calcium-activated channel subfamily M alpha 1; minus strand). Cytogenetic location: 10q22.3.
Variant type: single nucleotide variant.
Coding change: c.2146C>T on transcript NM_001161352.2 (MANE Select); coding-DNA position 2146, C replaced by T.
Protein change: p.Arg716Cys; replaces arginine 716 with cysteine.
Molecular consequence: missense variant. On other transcripts: intron variant (13).
Genome position (GRCh38, 1-based): chr10:77,001,527, G>A on the plus strand (C>T on the coding strand, the complement: KCNMA1 is on the minus strand). VCF-style: chr10-77001527-G-A. GRCh37 (hg19) VCF-style: chr10-78761285-G-A.
Other names: c.1942+10440C>T (NM_001271518.2); c.2092+10440C>T (NM_001322832.2, NM_001410940.1, NM_002247.4 and 1 more transcripts); c.2101+6658C>T (NM_001322829.2, NM_001322836.2, NM_001271519.2); c.2104+10440C>T (NM_001014797.3, NM_001322835.2, NM_001322837.2); c.2113+6658C>T (NM_001322830.2); c.1552+10440C>T (NM_001322838.2); short protein forms R716C.
Identifiers: ClinVar variation 2578618 (VCV002578618.25), dbSNP rs2086450060, ClinGen allele CA377405590.

ClinVar aggregate classification (germline): Uncertain significance (1 of 4 stars; one submission).

Allele frequency attached by ClinVar (database versions not stated): gnomAD 0.00001; gnomAD exomes 0.00001; TOPMed 0.00001.
gnomAD v4.1: 10 of 1,551,990 alleles (0.00064%); highest among the groups gnomAD compares: East Asian, 0.0049%; no homozygotes.

Submission:

CeGaT Center for Human Genetics Tuebingen
Classification: Uncertain significance. Last evaluated: 2023-08-01. Review status: criteria provided, single submitter. Criteria: CeGaT Center For Human Genetics Tuebingen Variant Classification Criteria Version 2. Collection method: clinical testing. Allele origin: germline. Affected: yes. Observed: 1 variant allele.
Comment: KCNMA1: PP2, PP3, PP4